The following is an entry in ClinVar:

ClinVar aggregate classification (germline): Likely benign. Review status: criteria provided, multiple submitters, no conflicts (2 of 4 stars). 2 submissions from 2 submitters: Likely benign (2). Last evaluated 2025-10-24.

Conditions:
Schuurs-Hoeijmakers syndrome. Also called: PACS1-Related Neurodevelopmental Disorder. Identifiers: Orphanet 329224, MedGen C3554343, MONDO:0014006, OMIM 615009.

Allele frequency attached by ClinVar (database versions not stated): ExAC 0.00002; gnomAD 0.00003; TOPMed 0.00003; ESP Exome Variant Server 0.00008.
gnomAD v4.1: 29 of 1,613,870 alleles (0.0018%); highest among the groups gnomAD compares: East Asian, 0.029%; no homozygotes.

Submissions (2):

Labcorp Genetics (formerly Invitae), Labcorp
Classification: Likely benign for Schuurs-Hoeijmakers syndrome. Last evaluated: 2025-10-24. Review status: criteria provided, single submitter. Criteria: Invitae Variant Classification Sherloc (09022015). Collection method: clinical testing. Allele origin: germline.

Women's Health and Genetics/Laboratory Corporation of America, LabCorp
Classification: Likely benign. Last evaluated: 2024-04-11. Review status: criteria provided, single submitter. Criteria: LabCorp Variant Classification Summary - May 2015. Collection method: clinical testing. Allele origin: germline.
Comment: Variant summary: PACS1 c.2145C>T alters a conserved nucleotide resulting in a synonymous change. Consensus agreement among computation tools predict no significant impact on normal splicing. However, these predictions have yet to be confirmed by functional studies. The variant allele was found at a frequency of 2e-05 in 251220 control chromosomes. The available data on variant occurrences in the general population are insufficient to allow any conclusion about variant significance. To our knowledge, no occurrence of c.2145C>T in individuals affected with Schuurs-Hoeijmakers Syndrome and no experimental evidence demonstrating its impact on protein function have been reported. ClinVar contains an entry for this variant (Variation ID: 2893223). Based on the evidence outlined above, the variant was classified as likely benign.

NM_018026.4(PACS1):c.2145C>T (p.Asn715=)

Gene: PACS1 (phosphofurin acidic cluster sorting protein 1; plus strand). Cytogenetic location: 11q13.2.
Variant type: single nucleotide variant.
Coding change: c.2145C>T on transcript NM_018026.4 (MANE Select); coding-DNA position 2145, C replaced by T.
Protein change: p.Asn715=; no amino-acid change (asparagine 715 retained).
Molecular consequence: synonymous variant.
Genome position (GRCh38, 1-based): chr11:66,235,341, C>T. VCF-style: chr11-66235341-C-T. GRCh37 (hg19) VCF-style: chr11-66002812-C-T.
Identifiers: ClinVar variation 2893223 (VCV002893223.4), dbSNP rs150214972, ClinGen allele CA6116793.
Genomic context (GRCh38, chr11:66,235,341, plus strand): 5'-ATCTCTTGGCTTTTCTGCAGAGCAACTGGACGTGGCAGGGCGGGTGATGCAGTACGTCAA[C>T]GGGGCAGCCACGACACACCAGCTTCCCGTGGCCGAAGCCATGCTGACTTGCCGGCATAAG-3'
Protein context (NP_060496.2, residues 705-725): DVAGRVMQYV[Asn715=]GAATTHQLPV